The following is an entry in ClinVar:

ClinVar aggregate classification (germline): Uncertain significance (1 of 4 stars; one submission).

Allele frequency attached by ClinVar (database versions not stated): gnomAD exomes below 0.00001.
gnomAD v4.1: 3 of 1,614,170 alleles (0.00019%); highest among the groups gnomAD compares: Non-Finnish European, 0.00025%; no homozygotes.

Submission:

CeGaT Center for Human Genetics Tuebingen
Classification: Uncertain significance. Last evaluated: 2023-07-01. Review status: criteria provided, single submitter. Criteria: CeGaT Center For Human Genetics Tuebingen Variant Classification Criteria Version 2. Collection method: clinical testing. Allele origin: germline. Affected: yes. Observed: 1 variant allele.
Comment: GABRB3: PM2, PP2, PP3

NM_000814.6(GABRB3):c.566T>C (p.Ile189Thr)

Gene: GABRB3 (gamma-aminobutyric acid type A receptor subunit beta3; minus strand). Cytogenetic location: 15q12.
Variant type: single nucleotide variant.
Coding change: c.566T>C on transcript NM_000814.6 (MANE Select); coding-DNA position 566, T replaced by C.
Protein change: p.Ile189Thr; replaces isoleucine 189 with threonine.
Molecular consequence: missense variant.
Genome position (GRCh38, 1-based): chr15:26,580,435, A>G on the plus strand (T>C on the coding strand, the complement: GABRB3 is on the minus strand). VCF-style: chr15-26580435-A-G. GRCh37 (hg19) VCF-style: chr15-26825582-A-G.
Other names: c.311T>C, p.Ile104Thr (NM_001191320.2, NM_001278631.2); c.353T>C, p.Ile118Thr (NM_001191321.3); c.566T>C, p.Ile189Thr (NM_021912.5); short protein forms I104T, I118T, I189T.
Identifiers: ClinVar variation 2570896 (VCV002570896.27), dbSNP rs2504205327, ClinGen allele CA391464183.
Genomic context (GRCh38, chr15:26,580,435, plus strand): 5'-GGGAGCTCAATCCTTTCCACTCCGGTAACAGCCTTGTCCCCGCCTCGCCAGTAAAACTCA[A>G]TGTCATCCGTGGTGTAGCCATCTGCCAAGAGAGAAGCAGGGAGACAGCAAACATCACCAT-3'
Protein context (NP_000805.1, residues 179-199): IESYGYTTDD[Ile189Thr]EFYWRGGDKA